The following is an entry in ClinVar:

ClinVar aggregate classification (germline): Uncertain significance (1 of 4 stars; one submission).

Submission:

GeneDx
Classification: Uncertain significance. Last evaluated: 2023-02-24. Review status: criteria provided, single submitter. Criteria: GeneDx Variant Classification Process June 2021. Collection method: clinical testing. Allele origin: germline. Affected: yes.
Comment: Not observed at significant frequency in large population cohorts (gnomAD); In silico analysis supports that this missense variant has a deleterious effect on protein structure/function; Has not been previously published as pathogenic or benign to our knowledge

NM_002715.4(PPP2CA):c.410A>G (p.Tyr137Cys)

Gene: PPP2CA (protein phosphatase 2 catalytic subunit alpha; minus strand). Cytogenetic location: 5q31.1.
Variant type: single nucleotide variant.
Coding change: c.410A>G on transcript NM_002715.4 (MANE Select); coding-DNA position 410, A replaced by G.
Protein change: p.Tyr137Cys; replaces tyrosine 137 with cysteine.
Molecular consequence: missense variant. On other transcripts: non-coding transcript variant (1).
Genome position (GRCh38, 1-based): chr5:134,201,924, T>C on the plus strand (A>G on the coding strand, the complement: PPP2CA is on the minus strand). VCF-style: chr5-134201924-T-C. GRCh37 (hg19) VCF-style: chr5-133537615-T-C.
Other names: c.215A>G, p.Tyr72Cys (NM_001355019.2); short protein forms Y137C, Y72C.
Identifiers: ClinVar variation 2577792 (VCV002577792.1), dbSNP rs2481051338, ClinGen allele CA360993063.